The following is an entry in ClinVar:

NM_001105206.3(LAMA4):c.4677T>G (p.Ile1559Met)

Gene: LAMA4 (laminin subunit alpha 4; minus strand). Cytogenetic location: 6q21.
Variant type: single nucleotide variant.
Coding change: c.4677T>G on transcript NM_001105206.3 (MANE Select); coding-DNA position 4677, T replaced by G.
Protein change: p.Ile1559Met; replaces isoleucine 1559 with methionine.
Molecular consequence: missense variant.
Genome position (GRCh38, 1-based): chr6:112,119,300, A>C on the plus strand (T>G on the coding strand, the complement: LAMA4 is on the minus strand). VCF-style: chr6-112119300-A-C. GRCh37 (hg19) VCF-style: chr6-112440503-A-C.
Other names: c.4656T>G, p.Ile1552Met (NM_001105207.3, NM_002290.5); short protein forms I1559M, I1552M.
Identifiers: ClinVar variation 4825729 (VCV004825729.1).
Genomic context (GRCh38, chr6:112,119,300, plus strand): 5'-AAGACTTTCTTCTAGGACTCGGAGACCATCAATTACCAGTCGGCCACTGCTCCTTTCTCG[A>C]ATAAATATCACCTGGATGAAGAGAAGGACAATAGCACATCTCAGGTACATTCCAAGATTG-3'
Protein context (NP_001098676.2, residues 1549-1569): NDGLWHDVIF[Ile1559Met]RERSSGRLVI

ClinVar aggregate classification (germline): Uncertain significance (1 of 4 stars; one submission).

Conditions:
Cardiovascular phenotype. Identifiers: MedGen CN230736.

Submission:

Ambry Genetics
Classification: Uncertain significance for Cardiovascular phenotype. Last evaluated: 2026-03-01. Review status: criteria provided, single submitter. Criteria: Ambry Variant Classification Scheme 2023. Collection method: clinical testing. Allele origin: germline.
Comment: The p.I1552M variant (also known as c.4656T>G), located in coding exon 33 of the LAMA4 gene, results from a T to G substitution at nucleotide position 4656. The isoleucine at codon 1552 is replaced by methionine, an amino acid with highly similar properties. This amino acid position is conserved. In addition, this alteration is predicted to be tolerated by in silico analysis. Based on the available evidence, the clinical significance of this variant remains unclear.